The following is an entry in ClinVar:

ClinVar aggregate classification (germline): Uncertain significance (1 of 4 stars; one submission).

Conditions:
Neurofibromatosis, type 1 (NF1). Also called: Peripheral type neurofibromatosis; VON RECKLINGHAUSEN DISEASE; NEUROFIBROMATOSIS, TYPE I, SOMATIC; Neurofibromatosis, type I. Identifiers: Orphanet 636, MedGen C0027831, MONDO:0018975, OMIM 162200. Disease mechanism: loss of function.

Submission:

Labcorp Genetics (formerly Invitae), Labcorp
Classification: Uncertain significance for Neurofibromatosis, type 1. Last evaluated: 2024-06-24. Review status: criteria provided, single submitter. Criteria: Invitae Variant Classification Sherloc (09022015). Collection method: clinical testing. Allele origin: germline.
Comment: This sequence change replaces proline, which is neutral and non-polar, with serine, which is neutral and polar, at codon 1532 of the NF1 protein (p.Pro1532Ser). Information on the frequency of this variant in the gnomAD database is not available, as this variant may be reported differently in the database. This variant has not been reported in the literature in individuals affected with NF1-related conditions. Experimental studies and prediction algorithms are not available or were not evaluated, and the functional significance of this variant is currently unknown. In summary, the available evidence is currently insufficient to determine the role of this variant in disease. Therefore, it has been classified as a Variant of Uncertain Significance.

NM_001042492.3(NF1):c.4656_4657inv (p.Pro1553Ser)

Gene: NF1 (neurofibromin 1; plus strand). Cytogenetic location: 17q11.2.
Variant type: Inversion.
Coding change: c.4656_4657inv on transcript NM_001042492.3 (MANE Select).
Protein change: p.Pro1553Ser; replaces proline 1553 with serine.
Molecular consequence: missense variant.
Genome position: GRCh38 VCF-style: chr17-31261789-AC-GT. GRCh37 (hg19) VCF-style: chr17-29588807-AC-GT.
Other names: c.4593_4594invAC, p.Pro1532Ser (NM_000267.4); short protein forms P1532S, P1553S.
Identifiers: ClinVar variation 3657218 (VCV003657218.2).